The following is an entry in ClinVar:

NM_006231.4(POLE):c.6747+5G>C

Gene: POLE (DNA polymerase epsilon, catalytic subunit; minus strand). Cytogenetic location: 12q24.33.
Variant type: single nucleotide variant.
Coding change: c.6747+5G>C on transcript NM_006231.4 (MANE Select); 5 bases into the intron after coding-DNA position 6747, G replaced by C.
Molecular consequence: intron variant.
Genome position (GRCh38, 1-based): chr12:132,624,900, C>G on the plus strand (G>C on the coding strand, the complement: POLE is on the minus strand). VCF-style: chr12-132624900-C-G. GRCh37 (hg19) VCF-style: chr12-133201486-C-G.
Identifiers: ClinVar variation 1041398 (VCV001041398.6), dbSNP rs1555300791, ClinGen allele CA2072976961.

ClinVar aggregate classification (germline): Uncertain significance (1 of 4 stars; one submission).

Submission:

Labcorp Genetics (formerly Invitae), Labcorp
Classification: Uncertain significance. Last evaluated: 2020-08-19. Review status: criteria provided, single submitter. Criteria: Invitae Variant Classification Sherloc (09022015). Collection method: clinical testing. Allele origin: germline.
Comment: This variant has not been reported in the literature in individuals with POLE-related conditions. Nucleotide substitutions within the consensus splice site are a relatively common cause of aberrant splicing (PMID: 17576681, 9536098). Algorithms developed to predict the effect of sequence changes on RNA splicing suggest that this variant may disrupt the consensus splice site, but this prediction has not been confirmed by published transcriptional studies. In summary, the available evidence is currently insufficient to determine the role of this variant in disease. Therefore, it has been classified as a Variant of Uncertain Significance. This variant is not present in population databases (ExAC no frequency). This sequence change falls in intron 48 of the POLE gene. It does not directly change the encoded amino acid sequence of the POLE protein, but it affects a nucleotide within the consensus splice site of the intron.

Literature cited by the submitters: PubMed 17576681; PubMed 9536098.